The following is an entry in ClinVar:

NM_001256789.3(CACNA1F):c.5756G>A (p.Arg1919His)

Gene: CACNA1F (calcium voltage-gated channel subunit alpha1 F; minus strand). Cytogenetic location: Xp11.23.
Variant type: single nucleotide variant.
Coding change: c.5756G>A on transcript NM_001256789.3 (MANE Select); coding-DNA position 5756, G replaced by A.
Protein change: p.Arg1919His; replaces arginine 1919 with histidine.
Molecular consequence: missense variant.
Genome position (GRCh38, 1-based): chrX:49,205,282, C>T on the plus strand (G>A on the coding strand, the complement: CACNA1F is on the minus strand). VCF-style: chrX-49205282-C-T. GRCh37 (hg19) VCF-style: chrX-49061742-C-T.
Other names: c.5594G>A, p.Arg1865His (NM_001256790.3); c.5789G>A, p.Arg1930His (NM_005183.4); short protein forms R1930H, R1919H, R1865H.
Identifiers: ClinVar variation 100576 (VCV000100576.13), dbSNP rs33910054, ClinGen allele CA228910.

ClinVar aggregate classification (germline): Benign. Review status: criteria provided, multiple submitters, no conflicts (2 of 4 stars). 6 submissions from 6 submitters: Benign (5). 1 of the submissions does not count toward it. Last evaluated 2026-02-01.

Allele frequency attached by ClinVar (database versions not stated): gnomAD 0.06102 and 0.06716; ESP Exome Variant Server 0.06163; TOPMed 0.06583; ExAC 0.10737; 1000 Genomes Project 30x 0.11842; 1000 Genomes Project 0.12106.
gnomAD v4.1: 106,387 of 1,206,688 alleles (8.8%); highest among the groups gnomAD compares: South Asian, 22%; 3,568 homozygotes.

Submissions (6):

Labcorp Genetics (formerly Invitae), Labcorp
Classification: Benign. Last evaluated: 2026-02-01. Review status: criteria provided, single submitter. Criteria: Invitae Variant Classification Sherloc (09022015). Collection method: clinical testing. Allele origin: germline.

Blueprint Genetics
Classification: Benign. Last evaluated: 2024-11-28. Review status: criteria provided, single submitter. Criteria: ACMG Guidelines, 2015. Collection method: clinical testing. Allele origin: germline.

GeneDx
Classification: Benign. Last evaluated: 2018-05-14. Review status: criteria provided, single submitter. Criteria: GeneDx Variant Classification (06012015). Collection method: clinical testing. Allele origin: germline. Affected: yes.
Comment: This variant is considered likely benign or benign based on one or more of the following criteria: it is a conservative change, it occurs at a poorly conserved position in the protein, it is predicted to be benign by multiple in silico algorithms, and/or has population frequency not consistent with disease.

Breakthrough Genomics
Classification: Benign. Review status: criteria provided, single submitter. Criteria: ACMG Guidelines, 2015. Collection method: not provided. Allele origin: germline. Inheritance: X-linked inheritance. Affected: yes.

PreventionGenetics, part of Exact Sciences
Classification: Benign. Review status: criteria provided, single submitter. Criteria: ACMG Guidelines, 2015. Collection method: clinical testing. Allele origin: germline.

NEI Ophthalmic Genomics Laboratory, National Institutes of Health
No classification provided. Review status: no classification provided. Collection method: not provided. Allele origin: not provided. Not counted in ClinVar's aggregate classification.